The following is an entry in ClinVar:

ClinVar aggregate classification (germline): Uncertain significance (1 of 4 stars; one submission).

gnomAD v4.1: 1 of 1,614,068 alleles (0.000062%); highest among the groups gnomAD compares: Non-Finnish European, 0.000085%; no homozygotes.

Submission:

GeneDx
Classification: Uncertain significance. Last evaluated: 2022-02-02. Review status: criteria provided, single submitter. Criteria: GeneDx Variant Classification Process June 2021. Collection method: clinical testing. Allele origin: germline. Affected: yes.
Comment: Not observed at significant frequency in large population cohorts (gnomAD); In silico analysis supports that this missense variant does not alter protein structure/function; Has not been previously published as pathogenic or benign to our knowledge

NM_207037.2(TCF12):c.725A>G (p.Asn242Ser)

Gene: TCF12 (transcription factor 12; plus strand). Cytogenetic location: 15q21.3.
Variant type: single nucleotide variant.
Coding change: c.725A>G on transcript NM_207037.2 (MANE Select); coding-DNA position 725, A replaced by G.
Protein change: p.Asn242Ser; replaces asparagine 242 with serine.
Molecular consequence: missense variant. On other transcripts: intron variant (1).
Genome position (GRCh38, 1-based): chr15:57,232,330, A>G. VCF-style: chr15-57232330-A-G. GRCh37 (hg19) VCF-style: chr15-57524528-A-G.
Other names: c.215A>G, p.Asn72Ser (NM_001306219.3, NM_207040.2); c.725A>G, p.Asn242Ser (NM_001322151.2, NM_001322152.2, NM_001322157.3 and 7 more transcripts); c.68A>G, p.Asn23Ser (NM_001322154.2); c.551A>G, p.Asn184Ser (NM_001322156.2, NM_001322158.2); c.761A>G, p.Asn254Ser (NM_001322164.2); c.118-382A>G (NM_001306220.3); short protein forms N184S, N23S, N242S, N254S, N72S.
Identifiers: ClinVar variation 1700449 (VCV001700449.2), dbSNP rs2059172778, ClinGen allele CA392592073.